The following is an entry in ClinVar:

ClinVar aggregate classification (germline): Uncertain significance (1 of 4 stars; one submission).

Submission:

Labcorp Genetics (formerly Invitae), Labcorp
Classification: Uncertain significance. Last evaluated: 2017-02-20. Review status: criteria provided, single submitter. Criteria: Invitae Variant Classification Sherloc (09022015). Collection method: clinical testing. Allele origin: germline.
Comment: In summary, this variant is a novel missense change with uncertain impact on protein function. It has been classified as a Variant of Uncertain Significance. Algorithms developed to predict the effect of sequence changes on RNA splicing suggest that this variant may alter RNA splicing, but this prediction has not been confirmed by published transcriptional studies. Algorithms developed to predict the effect of missense changes on protein structure and function do not agree on the potential impact of this missense change (SIFT: "Deleterious"; PolyPhen-2: "Benign"; Align-GVGD: "Class C55"). This variant is not present in population databases (ExAC no frequency) and has not been reported in the literature in individuals with a SMARCB1-related disease. This sequence change replaces alanine with valine at codon 180 of the SMARCB1 protein (p.Ala180Val). The alanine residue is highly conserved and there is a small physicochemical difference between alanine and valine.

NM_003073.5(SMARCB1):c.539C>T (p.Ala180Val)

Gene: SMARCB1 (SWI/SNF related BAF chromatin remodeling complex subunit B1; plus strand). Cytogenetic location: 22q11.23.
Variant type: single nucleotide variant.
Coding change: c.539C>T on transcript NM_003073.5 (MANE Select); coding-DNA position 539, C replaced by T.
Protein change: p.Ala180Val; replaces alanine 180 with valine.
Molecular consequence: missense variant.
Genome position (GRCh38, 1-based): chr22:23,803,333, C>T. VCF-style: chr22-23803333-C-T. GRCh37 (hg19) VCF-style: chr22-24145520-C-T.
Other names: c.539C>T (LRG_520t1); c.512C>T, p.Ala171Val (NM_001007468.3); c.566C>T, p.Ala189Val (NM_001317946.2); c.593C>T, p.Ala198Val (NM_001362877.2); short protein forms A180V, A198V, A189V, A171V.
Identifiers: ClinVar variation 464329 (VCV000464329.10), dbSNP rs1555877280, ClinGen allele CA410935612.